The following is an entry in ClinVar:

NM_020529.3(NFKBIA):c.106T>G (p.Ser36Ala)

Gene: NFKBIA (NFKB inhibitor alpha; minus strand). Cytogenetic location: 14q13.2.
Variant type: single nucleotide variant.
Coding change: c.106T>G on transcript NM_020529.3 (MANE Select); coding-DNA position 106, T replaced by G.
Protein change: p.Ser36Ala; replaces serine 36 with alanine.
Molecular consequence: missense variant.
Genome position (GRCh38, 1-based): chr14:35,404,539, A>C on the plus strand (T>G on the coding strand, the complement: NFKBIA is on the minus strand). VCF-style: chr14-35404539-A-C. GRCh37 (hg19) VCF-style: chr14-35873745-A-C.
Other names: short protein forms S36A.
Identifiers: ClinVar variation 3764637 (VCV003764637.1).

ClinVar aggregate classification (germline): Likely pathogenic (1 of 4 stars; one submission).

Conditions:
Ectodermal dysplasia and immunodeficiency 2. Identifiers: Orphanet 238468, Orphanet 98813, MedGen C2677481, MONDO:0012806, OMIM 612132.

Submission:

Daryl Scott Lab, Baylor College of Medicine
Classification: Likely pathogenic for Ectodermal dysplasia and immunodeficiency 2. Last evaluated: 2024-01-01. Review status: criteria provided, single submitter. Criteria: ACMG Guidelines, 2015. Collection method: clinical testing. Allele origin: de novo. Affected: yes. Observed: 1 heterozygote.
Comment: PS2, PM2, PP1, PP3